The following is an entry in ClinVar:

NM_004168.4(SDHA):c.1976C>T (p.Pro659Leu)

Gene: SDHA (succinate dehydrogenase complex flavoprotein subunit A; plus strand). Cytogenetic location: 5p15.33.
Variant type: single nucleotide variant.
Coding change: c.1976C>T on transcript NM_004168.4 (MANE Select); coding-DNA position 1976, C replaced by T.
Protein change: p.Pro659Leu; replaces proline 659 with leucine.
Molecular consequence: missense variant.
Genome position (GRCh38, 1-based): chr5:256,401, C>T. VCF-style: chr5-256401-C-T. GRCh37 (hg19) VCF-style: chr5-256516-C-T.
Other names: c.1832C>T, p.Pro611Leu (NM_001294332.2); c.1733C>T, p.Pro578Leu (NM_001330758.2); short protein forms P611L, P659L, P578L.
Identifiers: ClinVar variation 4789105 (VCV004789105.1).
Genomic context (GRCh38, chr5:256,401, plus strand): 5'-TGGAATATAGACCCGTGATCGACAAAACTTTGAACGAGGCTGACTGTGCCACCGTCCCGC[C>T]AGCCATTCGCTCCTACTGATGAGACAAGATGTGGTGATGACAGAATCAGCTTTTGTAATT-3'
Protein context (NP_004159.2, residues 649-664): LNEADCATVP[Pro659Leu]AIRSY

ClinVar aggregate classification (germline): Uncertain significance (1 of 4 stars; one submission).

Conditions:
Mitochondrial complex II deficiency, nuclear type 1. Also called: SUCCINATE CoQ REDUCTASE DEFICIENCY. Identifiers: Orphanet 3208, MedGen C5700310, MONDO:0100294, OMIM 252011.
Pheochromocytoma/paraganglioma syndrome 5. Also called: Paragangliomas 5; SDHA-Related Hereditary Paraganglioma-Pheochromocytoma Syndrome. Identifiers: Orphanet 29072, MedGen C3279992, MONDO:0013602, OMIM 614165.

Submission:

Labcorp Genetics (formerly Invitae), Labcorp
Classification: Uncertain significance for Pheochromocytoma/paraganglioma syndrome 5; Mitochondrial complex II deficiency, nuclear type 1. Last evaluated: 2025-06-23. Review status: criteria provided, single submitter. Criteria: Invitae Variant Classification Sherloc (09022015). Collection method: clinical testing. Allele origin: germline.
Comment: This sequence change replaces proline, which is neutral and non-polar, with leucine, which is neutral and non-polar, at codon 659 of the SDHA protein (p.Pro659Leu). This variant is not present in population databases (gnomAD no frequency). This variant has not been reported in the literature in individuals affected with SDHA-related conditions. Invitae Evidence Modeling of protein sequence and biophysical properties (such as structural, functional, and spatial information, amino acid conservation, physicochemical variation, residue mobility, and thermodynamic stability) has been performed for this missense variant. However, the output from this modeling did not meet the statistical confidence thresholds required to predict the impact of this variant on SDHA protein function. In summary, the available evidence is currently insufficient to determine the role of this variant in disease. Therefore, it has been classified as a Variant of Uncertain Significance.